The following is an entry in ClinVar:

NM_000138.5(FBN1):c.2168-1G>C

Gene: FBN1 (fibrillin 1; minus strand). Cytogenetic location: 15q21.1.
Variant type: single nucleotide variant.
Coding change: c.2168-1G>C on transcript NM_000138.5 (MANE Select); the canonical splice acceptor site of the intron before coding-DNA position 2168, G replaced by C.
Molecular consequence: splice acceptor variant.
Genome position (GRCh38, 1-based): chr15:48,497,392, C>G on the plus strand (G>C on the coding strand, the complement: FBN1 is on the minus strand). VCF-style: chr15-48497392-C-G. GRCh37 (hg19) VCF-style: chr15-48789589-C-G.
Other names: c.2168-1G>C (NM_001406716.1).
Identifiers: ClinVar variation 941577 (VCV000941577.10), dbSNP rs1555399387, ClinGen allele CA392335954.

ClinVar aggregate classification (germline): Pathogenic (1 of 4 stars; one submission).

Conditions:
Familial thoracic aortic aneurysm and aortic dissection (TAAD). Also called: Thoracic aortic aneurysms and dissections. Identifiers: Orphanet 91387, MedGen C4707243, MONDO:0019625.
Marfan syndrome (MFS). Also called: Marfan syndrome, classic; Marfan syndrome type 1; Marfan's syndrome; FBN1-Related Marfan Syndrome; MARFAN SYNDROME, TYPE I. Identifiers: Orphanet 284963, Orphanet 558, MedGen C0024796, MONDO:0007947, OMIM 154700.

Submission:

Labcorp Genetics (formerly Invitae), Labcorp
Classification: Pathogenic for Marfan syndrome; Familial thoracic aortic aneurysm and aortic dissection. Last evaluated: 2019-07-06. Review status: criteria provided, single submitter. Criteria: Invitae Variant Classification Sherloc (09022015). Collection method: clinical testing. Allele origin: germline.
Comment: Donor and acceptor splice site variants typically lead to a loss of protein function (PMID: 16199547), and loss-of-function variants in FBN1 are known to be pathogenic (PMID: 17657824, 19293843). For these reasons, this variant has been classified as Pathogenic. Algorithms developed to predict the effect of sequence changes on RNA splicing suggest that this variant may disrupt the consensus splice site, but this prediction has not been confirmed by published transcriptional studies. This variant has been observed in individuals affected with Marfan syndrome or thoracic aortic aneurysm (PMID: 29543232, 12161601, 19390640, Invitae). This variant is not present in population databases (ExAC no frequency). This sequence change affects an acceptor splice site in intron 18 of the FBN1 gene. It is expected to disrupt RNA splicing and likely results in an absent or disrupted protein product.

Literature cited by the submitters: PubMed 16199547; PubMed 17657824; PubMed 19293843; PubMed 29543232; PubMed 12161601; PubMed 19390640.